The following is an entry in ClinVar:

ClinVar aggregate classification (germline): Uncertain significance (1 of 4 stars; one submission).

Allele frequency attached by ClinVar (database versions not stated): TOPMed 0.00005.

Submission:

Women's Health and Genetics/Laboratory Corporation of America, LabCorp
Classification: Uncertain significance. Last evaluated: 2024-04-08. Review status: criteria provided, single submitter. Criteria: LabCorp Variant Classification Summary - May 2015. Collection method: clinical testing. Allele origin: germline.
Comment: Variant summary: F9 c.1097C>A (p.Ala366Asp) results in a non-conservative amino acid change located in the Serine proteases, trypsin domain (IPR001254) of the encoded protein sequence. Five of five in-silico tools predict a damaging effect of the variant on protein function. The variant was absent in 183190 control chromosomes (gnomAD). The available data on variant occurrences in the general population are insufficient to allow any conclusion about variant significance. c.1097C>A has been reported in the literature in individuals affected with Factor IX Deficiency (Hemophilia B) (Koeberl_1990, Giannelli_1994, Chavali_2009, Hamasaki-Katagiri_2012). These reports do not provide unequivocal conclusions about association of the variant with Factor IX Deficiency (Hemophilia B). To our knowledge, no experimental evidence demonstrating an impact on protein function has been reported. The following publications have been ascertained in the context of this evaluation (PMID: 19699296, 7937052, 22639855, 2198809, 30817849). No submitters have cited clinical-significance assessments for this variant to ClinVar. Based on the evidence outlined above, the variant was classified as uncertain significance.

Literature cited by the submitters: PubMed 19699296; PubMed 22639855; PubMed 7937052; PubMed 2198809; PubMed 30817849.

NM_000133.4(F9):c.1097C>A (p.Ala366Asp)

Gene: F9 (coagulation factor IX; plus strand). Cytogenetic location: Xq27.1.
Variant type: single nucleotide variant.
Coding change: c.1097C>A on transcript NM_000133.4 (MANE Select); coding-DNA position 1097, C replaced by A.
Protein change: p.Ala366Asp; replaces alanine 366 with aspartic acid.
Molecular consequence: missense variant.
Genome position (GRCh38, 1-based): chrX:139,561,782, C>A. VCF-style: chrX-139561782-C-A. GRCh37 (hg19) VCF-style: chrX-138643941-C-A.
Other names: c.983C>A, p.Ala328Asp (NM_001313913.2); short protein forms A328D, A366D.
Identifiers: ClinVar variation 3251446 (VCV003251446.1), dbSNP rs1928115979.
Genomic context (GRCh38, chrX:139,561,782, plus strand): 5'-TCAAATTTGGATCTGGCTATGTAAGTGGCTGGGGAAGAGTCTTCCACAAAGGGAGATCAG[C>A]TTTAGTTCTTCAGTACCTTAGAGTTCCACTTGTTGACCGAGCCACATGTCTTCGATCTAC-3'
Protein context (NP_000124.1, residues 356-376): WGRVFHKGRS[Ala366Asp]LVLQYLRVPL